The following is an entry in ClinVar:

NM_003476.5(CSRP3):c.324C>T (p.Ser108=)

Gene: CSRP3 (cysteine and glycine rich protein 3; minus strand). Cytogenetic location: 11p15.1.
Variant type: single nucleotide variant.
Coding change: c.324C>T on transcript NM_003476.5 (MANE Select); coding-DNA position 324, C replaced by T.
Protein change: p.Ser108=; no amino-acid change (serine 108 retained).
Molecular consequence: synonymous variant. On other transcripts: missense variant (1).
Genome position (GRCh38, 1-based): chr11:19,186,306, G>A on the plus strand (C>T on the coding strand, the complement: CSRP3 is on the minus strand). VCF-style: chr11-19186306-G-A. GRCh37 (hg19) VCF-style: chr11-19207853-G-A.
Other names: c.324C>T, p.Ser108= (NM_001127656.1); c.155C>T, p.Pro52Leu (NM_001369404.1); short protein forms P52L.
Identifiers: ClinVar variation 1729392 (VCV001729392.6), dbSNP rs1850524848, ClinGen allele CA473394641.

ClinVar aggregate classification (germline): Conflicting classifications of pathogenicity. Review status: criteria provided, conflicting classifications (1 of 4 stars). 3 submissions from 3 submitters: Uncertain significance (1); Likely benign (2). Last evaluated 2025-03-21.

Conditions:
Hypertrophic cardiomyopathy 12. Identifiers: MedGen C2677491, MONDO:0012804, OMIM 612124.
Dilated cardiomyopathy 1M (CMD1M). Identifiers: Orphanet 154, MedGen C1843808, MONDO:0011840, OMIM 607482.
Cardiovascular phenotype. Identifiers: MedGen CN230736.

Allele frequency attached by ClinVar (database versions not stated): gnomAD exomes 0.00001.
gnomAD v4.1: 9 of 1,614,214 alleles (0.00056%); highest among the groups gnomAD compares: Non-Finnish European, 0.00068%; no homozygotes.

Submissions (3):

Labcorp Genetics (formerly Invitae), Labcorp
Classification: Likely benign for Hypertrophic cardiomyopathy 12; Dilated cardiomyopathy 1M. Last evaluated: 2025-03-21. Review status: criteria provided, single submitter. Criteria: Invitae Variant Classification Sherloc (09022015). Collection method: clinical testing. Allele origin: germline.

GeneDx
Classification: Uncertain significance. Last evaluated: 2022-09-23. Review status: criteria provided, single submitter. Criteria: GeneDx Variant Classification Process June 2021. Collection method: clinical testing. Allele origin: germline. Affected: yes.
Comment: Has not been previously published as pathogenic or benign to our knowledge; Not observed at significant frequency in large population cohorts (gnomAD); In silico analysis supports that this variant does not alter splicing

Ambry Genetics
Classification: Likely benign for Cardiovascular phenotype. Last evaluated: 2022-05-20. Review status: criteria provided, single submitter. Criteria: Ambry Variant Classification Scheme 2023. Collection method: clinical testing. Allele origin: germline.